The following is an entry in ClinVar:

ClinVar aggregate classification (germline): Uncertain significance. Review status: criteria provided, multiple submitters, no conflicts (2 of 4 stars). 3 submissions from 3 submitters: Uncertain significance (3). Last evaluated 2024-06-24.

Conditions:
Neuropathy, hereditary sensory and autonomic, type 2A (HSAN2A). Also called: WNK1-Related HSAN2 (HSAN2A); ACROOSTEOLYSIS, GIACCAI TYPE; ACROOSTEOLYSIS, NEUROGENIC; MORVAN DISEASE; NEUROPATHY, CONGENITAL SENSORY; NEUROPATHY, HEREDITARY SENSORY RADICULAR, AUTOSOMAL RECESSIVE. Identifiers: Orphanet 970, MedGen C2752089, MONDO:0024309, OMIM 201300.
Generalized epilepsy with febrile seizures plus, type 7 (GEFSP7). Also called: GEFS+, TYPE 7. Identifiers: Orphanet 36387, MedGen C2751778, MONDO:0013470, OMIM 613863.
Inborn genetic diseases. Identifiers: MedGen C0950123, MeSH D030342.

Allele frequency attached by ClinVar (database versions not stated): gnomAD exomes below 0.00001 and 0.00001; gnomAD 0.00001; TOPMed 0.00001.
gnomAD v4.1: 19 of 1,605,090 alleles (0.0012%); highest among the groups gnomAD compares: Non-Finnish European, 0.0015%; no homozygotes.

Submissions (3):

Labcorp Genetics (formerly Invitae), Labcorp
Classification: Uncertain significance for Neuropathy, hereditary sensory and autonomic, type 2A; Generalized epilepsy with febrile seizures plus, type 7. Last evaluated: 2024-06-24. Review status: criteria provided, single submitter. Criteria: Invitae Variant Classification Sherloc (09022015). Collection method: clinical testing. Allele origin: germline.
Comment: This sequence change replaces alanine, which is neutral and non-polar, with threonine, which is neutral and polar, at codon 778 of the SCN9A protein (p.Ala778Thr). This variant is not present in population databases (gnomAD no frequency). This missense change has been observed in individual(s) with clinical features of SCN9A-related conditions (Invitae). ClinVar contains an entry for this variant (Variation ID: 408588). Advanced modeling of protein sequence and biophysical properties (such as structural, functional, and spatial information, amino acid conservation, physicochemical variation, residue mobility, and thermodynamic stability) performed at Invitae indicates that this missense variant is not expected to disrupt SCN9A protein function with a negative predictive value of 95%. In summary, the available evidence is currently insufficient to determine the role of this variant in disease. Therefore, it has been classified as a Variant of Uncertain Significance.

Ambry Genetics
Classification: Uncertain significance for Inborn genetic diseases. Last evaluated: 2024-05-21. Review status: criteria provided, single submitter. Criteria: Ambry Variant Classification Scheme 2023. Collection method: clinical testing. Allele origin: germline.

Mayo Clinic Laboratories, Mayo Clinic
Classification: Uncertain significance. Last evaluated: 2020-09-08. Review status: criteria provided, single submitter. Criteria: ACMG Guidelines, 2015. Collection method: clinical testing. Allele origin: germline. Observed: 1 variant allele.

NM_001365536.1(SCN9A):c.2365G>A (p.Ala789Thr)

Genes: SCN9A (sodium voltage-gated channel alpha subunit 9; minus strand), SCN1A-AS1 (SCN1A and SCN9A antisense RNA 1; plus strand). Cytogenetic location: 2q24.3.
Variant type: single nucleotide variant.
Coding change: c.2365G>A on transcript NM_001365536.1 (MANE Select); coding-DNA position 2365, G replaced by A.
Protein change: p.Ala789Thr; replaces alanine 789 with threonine.
Molecular consequence: missense variant.
Genome position (GRCh38, 1-based): chr2:166,278,292, C>T on the plus strand (G>A on the coding strand, the complement: SCN9A is on the minus strand). VCF-style: chr2-166278292-C-T. GRCh37 (hg19) VCF-style: chr2-167134802-C-T.
Other names: c.2332G>A, p.Ala778Thr (NM_002977.4); short protein forms A778T, A789T.
Identifiers: ClinVar variation 408588 (VCV000408588.15), dbSNP rs1060502052, ClinGen allele CA16610197.